The following is an entry in ClinVar:

NM_016239.4(MYO15A):c.4366C>T (p.Arg1456Cys)

Gene: MYO15A (myosin XVA; plus strand). Cytogenetic location: 17p11.2.
Variant type: single nucleotide variant.
Coding change: c.4366C>T on transcript NM_016239.4 (MANE Select); coding-DNA position 4366, C replaced by T.
Protein change: p.Arg1456Cys; replaces arginine 1456 with cysteine.
Molecular consequence: missense variant.
Genome position (GRCh38, 1-based): chr17:18,133,270, C>T. VCF-style: chr17-18133270-C-T. GRCh37 (hg19) VCF-style: chr17-18036584-C-T.
Other names: short protein forms R1456C.
Identifiers: ClinVar variation 2473351 (VCV002473351.3), dbSNP rs758805068, ClinGen allele CA8423866.

ClinVar aggregate classification (germline): Uncertain significance. Review status: criteria provided, multiple submitters, no conflicts (2 of 4 stars). 2 submissions from 2 submitters: Uncertain significance (2). Last evaluated 2024-12-16.

Conditions:
Inborn genetic diseases. Identifiers: MedGen C0950123, MeSH D030342.

Allele frequency attached by ClinVar (database versions not stated): gnomAD exomes 0.00001; ExAC 0.00004; TOPMed 0.00006.

Submissions (2):

Labcorp Genetics (formerly Invitae), Labcorp
Classification: Uncertain significance. Last evaluated: 2024-12-16. Review status: criteria provided, single submitter. Criteria: Invitae Variant Classification Sherloc (09022015). Collection method: clinical testing. Allele origin: germline.
Comment: This sequence change replaces arginine, which is basic and polar, with cysteine, which is neutral and slightly polar, at codon 1456 of the MYO15A protein (p.Arg1456Cys). This variant is present in population databases (rs758805068, gnomAD 0.005%). This variant has not been reported in the literature in individuals affected with MYO15A-related conditions. ClinVar contains an entry for this variant (Variation ID: 2473351). Invitae Evidence Modeling of protein sequence and biophysical properties (such as structural, functional, and spatial information, amino acid conservation, physicochemical variation, residue mobility, and thermodynamic stability) indicates that this missense variant is not expected to disrupt MYO15A protein function with a negative predictive value of 95%. In summary, the available evidence is currently insufficient to determine the role of this variant in disease. Therefore, it has been classified as a Variant of Uncertain Significance.

Ambry Genetics
Classification: Uncertain significance for Inborn genetic diseases. Last evaluated: 2023-02-16. Review status: criteria provided, single submitter. Criteria: Ambry Variant Classification Scheme 2023. Collection method: clinical testing. Allele origin: germline.